The following is an entry in ClinVar:

NM_006790.3(MYOT):c.935T>C (p.Val312Ala)

Genes: MYOT (myotilin; plus strand), PKD2L2-DT (PKD2L2 divergent transcript; minus strand). Cytogenetic location: 5q31.2.
Variant type: single nucleotide variant.
Coding change: c.935T>C on transcript NM_006790.3 (MANE Select); coding-DNA position 935, T replaced by C.
Protein change: p.Val312Ala; replaces valine 312 with alanine.
Molecular consequence: missense variant.
Genome position (GRCh38, 1-based): chr5:137,883,502, T>C. VCF-style: chr5-137883502-T-C. GRCh37 (hg19) VCF-style: chr5-137219191-T-C.
Other names: c.383T>C, p.Val128Ala (NM_001135940.2); c.590T>C, p.Val197Ala (NM_001300911.2); short protein forms V197A, V312A, V128A.
Identifiers: ClinVar variation 2066281 (VCV002066281.5), dbSNP rs144649786, ClinGen allele CA3423075.
Genomic context (GRCh38, chr5:137,883,502, plus strand): 5'-CAGATGATTTGCACAAAATGATAGTGTCTGAGAAGGGTCTTCATTCACTCATCTTTGAAG[T>C]AGTCAGAGCTTCAGATGCAGGGGCTTATGCATGTGTTGCCAAGAATAGAGCAGGAGAAGC-3'
Protein context (NP_006781.1, residues 302-322): EKGLHSLIFE[Val312Ala]VRASDAGAYA

ClinVar aggregate classification (germline): Uncertain significance. Review status: criteria provided, multiple submitters, no conflicts (2 of 4 stars). 2 submissions from 2 submitters: Uncertain significance (2). Last evaluated 2025-10-06.

Conditions:
Myofibrillar myopathy 3 (MFM3). Also called: Autosomal dominant spheroid body myopathy; Muscular dystrophy, proximal, type 1A. Identifiers: Orphanet 266, Orphanet 268129, MedGen C3714934, MONDO:0012215, OMIM 609200.

Allele frequency attached by ClinVar (database versions not stated): ExAC 0.00001; gnomAD 0.00001; gnomAD exomes 0.00002; TOPMed 0.00002; ESP Exome Variant Server 0.00008.
gnomAD v4.1: 35 of 1,614,020 alleles (0.0022%); highest among the groups gnomAD compares: Non-Finnish European, 0.0028%; no homozygotes.

Submissions (2):

Labcorp Genetics (formerly Invitae), Labcorp
Classification: Uncertain significance for Myofibrillar myopathy 3. Last evaluated: 2025-10-06. Review status: criteria provided, single submitter. Criteria: Invitae Variant Classification Sherloc (09022015). Collection method: clinical testing. Allele origin: germline.
Comment: This sequence change replaces valine, which is neutral and non-polar, with alanine, which is neutral and non-polar, at codon 312 of the MYOT protein (p.Val312Ala). This variant is present in population databases (rs144649786, gnomAD 0.002%). This variant has not been reported in the literature in individuals affected with MYOT-related conditions. ClinVar contains an entry for this variant (Variation ID: 2066281). Invitae Evidence Modeling of protein sequence and biophysical properties (such as structural, functional, and spatial information, amino acid conservation, physicochemical variation, residue mobility, and thermodynamic stability) indicates that this missense variant is not expected to disrupt MYOT protein function with a negative predictive value of 80%. In summary, the available evidence is currently insufficient to determine the role of this variant in disease. Therefore, it has been classified as a Variant of Uncertain Significance.

Victorian Clinical Genetics Services, Murdoch Childrens Research Institute
Classification: Uncertain significance for Myofibrillar myopathy 3. Last evaluated: 2024-10-10. Review status: criteria provided, single submitter. Criteria: ACMG Guidelines, 2015. Collection method: clinical testing. Allele origin: germline. Inheritance: Autosomal dominant inheritance. Affected: yes.
Comment: Based on the classification scheme VCGS_Germline_v1.3.5, this variant is classified as VUS-3C. Following criteria are met: 0105 - The mechanism of disease for this gene is not clearly established. (I) 0107 - This gene is associated with autosomal dominant disease. (I) 0200 - Variant is predicted to result in a missense amino acid change from valine to alanine. (I) 0251 - This variant is heterozygous. (I) 0302 - Variant is present in gnomAD (v4) <0.001 for a dominant condition (35 heterozygotes, 0 homozygotes). (SP) 0309 - An alternative amino acid change at the same position has been observed in gnomAD (v4; 2 heterozygotes, 0 homozygotes). (I) 0503 - Missense variant consistently predicted to be tolerated by multiple in silico tools or not conserved in placental mammals with a minor amino acid change. (SB) 0600 - Variant is located in the annotated immunoglobulin super family domain (NCBI). (I) 0710 - Another missense variant comparable to the one identified in this case has inconclusive previous evidence for pathogenicity. An alternative change, p.(Val312Leu), has been reported as a VUS by two clinical laboratories in ClinVar. (I) 0809 - Previous evidence of pathogenicity for this variant is inconclusive. This variant has been classified as a VUS by a clinical laboratory in ClinVar. (I) 0905 - No published segregation evidence has been identified for this variant. (I) 1007 - No published functional evidence has been identified for this variant. (I) 1208 - Inheritance information for this variant is not currently available in this individual. (I) Legend: (SP) - Supporting pathogenic, (I) - Information, (SB) - Supporting benign